The following is an entry in ClinVar:

NM_001003841.3(SLC6A19):c.920C>T (p.Ser307Phe)

Gene: SLC6A19 (solute carrier family 6 member 19; plus strand). Cytogenetic location: 5p15.33.
Variant type: single nucleotide variant.
Coding change: c.920C>T on transcript NM_001003841.3 (MANE Select); coding-DNA position 920, C replaced by T.
Protein change: p.Ser307Phe; replaces serine 307 with phenylalanine.
Molecular consequence: missense variant.
Genome position (GRCh38, 1-based): chr5:1,216,590, C>T. VCF-style: chr5-1216590-C-T. GRCh37 (hg19) VCF-style: chr5-1216705-C-T.
Other names: short protein forms S307F.
Identifiers: ClinVar variation 1718701 (VCV001718701.3), dbSNP rs912323731, ClinGen allele CA112944406.

ClinVar aggregate classification (germline): Uncertain significance (1 of 4 stars; one submission).

Allele frequency attached by ClinVar (database versions not stated): gnomAD exomes below 0.00001.
gnomAD v4.1: 2 of 1,614,164 alleles (0.00012%); highest among the groups gnomAD compares: Middle Eastern, 0.016%; no homozygotes.

Submission:

Labcorp Genetics (formerly Invitae), Labcorp
Classification: Uncertain significance. Last evaluated: 2022-09-02. Review status: criteria provided, single submitter. Criteria: Invitae Variant Classification Sherloc (09022015). Collection method: clinical testing. Allele origin: germline.
Comment: This sequence change replaces serine, which is neutral and polar, with phenylalanine, which is neutral and non-polar, at codon 307 of the SLC6A19 protein (p.Ser307Phe). This variant is not present in population databases (gnomAD no frequency). This variant has not been reported in the literature in individuals affected with SLC6A19-related conditions. Algorithms developed to predict the effect of missense changes on protein structure and function (SIFT, PolyPhen-2, Align-GVGD) all suggest that this variant is likely to be disruptive. In summary, the available evidence is currently insufficient to determine the role of this variant in disease. Therefore, it has been classified as a Variant of Uncertain Significance.